The following is an entry in ClinVar:

Conditions:
Long QT syndrome 5 (LQT5). Identifiers: Orphanet 101016, Orphanet 768, MedGen C1867904, MONDO:0013372, OMIM 613695.

Submission:

Roden Lab, Vanderbilt University Medical Center
No classification provided (evidence only). Condition: Long QT syndrome 5. Review status: no classification provided. Collection method: in vitro. Allele origin: not applicable. Functional consequence: Effect on ion channel function.
ClinVar note: "not provided" was previously submitted as the classification for the variant. However, the classification appeared to be based only on an observation of functional data so it was converted to no classification on 2025-07-30.

NM_000219.6(KCNE1):c.328G>A (p.Glu110Lys)

Gene: KCNE1 (potassium voltage-gated channel subfamily E regulatory subunit 1; minus strand). Cytogenetic location: 21q22.12.
Variant type: single nucleotide variant.
Coding change: c.328G>A on transcript NM_000219.6 (MANE Select); coding-DNA position 328, G replaced by A.
Protein change: p.Glu110Lys; replaces glutamic acid 110 with lysine.
Molecular consequence: missense variant.
Genome position (GRCh38, 1-based): chr21:34,449,307, C>T on the plus strand (G>A on the coding strand, the complement: KCNE1 is on the minus strand). VCF-style: chr21-34449307-C-T. GRCh37 (hg19) VCF-style: chr21-35821605-C-T.
Other names: c.328G>A, p.Glu110Lys (NM_001127668.4, NM_001127669.4, NM_001127670.4 and 4 more transcripts); short protein forms E110K.
Identifiers: ClinVar variation 3374650 (VCV003374650.2).